The following is an entry in ClinVar:

NM_080860.4(RSPH1):c.742G>A (p.Gly248Arg)

Gene: RSPH1 (radial spoke head component 1; minus strand). Cytogenetic location: 21q22.3.
Variant type: single nucleotide variant.
Coding change: c.742G>A on transcript NM_080860.4 (MANE Select); coding-DNA position 742, G replaced by A.
Protein change: p.Gly248Arg; replaces glycine 248 with arginine.
Molecular consequence: missense variant.
Genome position (GRCh38, 1-based): chr21:42,476,033, C>T on the plus strand (G>A on the coding strand, the complement: RSPH1 is on the minus strand). VCF-style: chr21-42476033-C-T. GRCh37 (hg19) VCF-style: chr21-43896143-C-T.
Other names: c.628G>A, p.Gly210Arg (NM_001286506.2); short protein forms G248R, G210R.
Identifiers: ClinVar variation 227052 (VCV000227052.22), dbSNP rs117385282, ClinGen allele CA10043755.

ClinVar aggregate classification (germline): Benign/Likely benign. Review status: criteria provided, multiple submitters, no conflicts (2 of 4 stars). 8 submissions from 8 submitters: Benign (7); Likely benign (1). Last evaluated 2026-02-04.

Conditions:
Primary ciliary dyskinesia 24 (CILD24). Also called: CILIARY DYSKINESIA, PRIMARY, 24, WITHOUT SITUS INVERSUS. Identifiers: Orphanet 244, MedGen C3809634, MONDO:0014202, OMIM 615481.
Primary ciliary dyskinesia. Also called: Ciliary dyskinesia. Identifiers: Orphanet 244, MedGen C0008780, MONDO:0016575, HP:0012265.

Allele frequency attached by ClinVar (database versions not stated): 1000 Genomes Project 30x 0.08370; 1000 Genomes Project 0.08387; TOPMed 0.12813; gnomAD 0.13113 and 0.13197; ESP Exome Variant Server 0.13886; ExAC 0.15485; gnomAD exomes 0.15541 and 0.18577.
gnomAD v4.1: 290,471 of 1,613,276 alleles (18%); highest among the groups gnomAD compares: Non-Finnish European, 20%; 28,399 homozygotes.

Submissions (8):

Labcorp Genetics (formerly Invitae), Labcorp
Classification: Benign for Primary ciliary dyskinesia. Last evaluated: 2026-02-04. Review status: criteria provided, single submitter. Criteria: Invitae Variant Classification Sherloc (09022015). Collection method: clinical testing. Allele origin: germline.

Blueprint Genetics
Classification: Likely benign. Last evaluated: 2024-11-28. Review status: criteria provided, single submitter. Criteria: ACMG Guidelines, 2015. Collection method: clinical testing. Allele origin: germline.

Mayo Clinic Laboratories, Mayo Clinic
Classification: Benign. Last evaluated: 2022-04-26. Review status: criteria provided, single submitter. Criteria: ACMG Guidelines, 2015. Collection method: clinical testing. Allele origin: germline. Observed: 68 variant alleles.

Genome-Nilou Lab
Classification: Benign for Primary ciliary dyskinesia 24. Last evaluated: 2021-11-07. Review status: criteria provided, single submitter. Criteria: ACMG Guidelines, 2015. Collection method: clinical testing. Allele origin: germline. Affected: no.

GeneDx
Classification: Benign. Last evaluated: 2018-11-27. Review status: criteria provided, single submitter. Criteria: GeneDx Variant Classification Process June 2021. Collection method: clinical testing. Allele origin: germline. Affected: yes.

Laboratory for Molecular Medicine, Mass General Brigham Personalized Medicine
Classification: Benign. Last evaluated: 2014-11-24. Review status: criteria provided, single submitter. Criteria: LMM Criteria. Collection method: clinical testing. Allele origin: germline. Observed: 19 variant alleles.
Comment: Gly248Arg in exon 8 of RSPH1: This variant is not expected to have clinical sign ificance because it has been identified in 19.2% (1647/8600) of European America n chromosomes from a broad population by the NHLBI Exome Sequencing Project (dbSNP rs117385282).

Breakthrough Genomics
Classification: Benign. Review status: criteria provided, single submitter. Criteria: ACMG Guidelines, 2015. Collection method: not provided. Allele origin: germline. Inheritance: Autosomal recessive inheritance. Affected: yes.

PreventionGenetics, part of Exact Sciences
Classification: Benign. Review status: criteria provided, single submitter. Criteria: ACMG Guidelines, 2015. Collection method: clinical testing. Allele origin: germline.